The following is an entry in ClinVar:

NM_014141.6(CNTNAP2):c.664G>C (p.Glu222Gln)

Gene: CNTNAP2 (contactin associated protein 2; plus strand). Cytogenetic location: 7q35.
Variant type: single nucleotide variant.
Coding change: c.664G>C on transcript NM_014141.6 (MANE Select); coding-DNA position 664, G replaced by C.
Protein change: p.Glu222Gln; replaces glutamic acid 222 with glutamine.
Molecular consequence: missense variant.
Genome position (GRCh38, 1-based): chr7:147,108,260, G>C. VCF-style: chr7-147108260-G-C. GRCh37 (hg19) VCF-style: chr7-146805352-G-C.
Other names: short protein forms E222Q.
Identifiers: ClinVar variation 536318 (VCV000536318.8), dbSNP rs532524611, ClinGen allele CA4545859.
Genomic context (GRCh38, chr7:147,108,260, plus strand): 5'-AACAAGAAGATGAAAACACTGAAAGATGTCATTGCCTTGAACTTTAAGACGTCTGAAAGT[G>C]AAGGAGTAATCCTGCACGGAGAAGGACAGCAAGGAGATTACATTACCTTGGAACTGAAAA-3'
Protein context (NP_054860.1, residues 212-232): IALNFKTSES[Glu222Gln]GVILHGEGQQ

ClinVar aggregate classification (germline): Uncertain significance. Review status: criteria provided, multiple submitters, no conflicts (2 of 4 stars). 2 submissions from 2 submitters: Uncertain significance (2). Last evaluated 2024-04-30.

Conditions:
Cortical dysplasia-focal epilepsy syndrome (PTHSL1). Also called: Pitt-Hopkins-like syndrome 1. Identifiers: Orphanet 163681, Orphanet 221150, MedGen C2750246, MONDO:0012400, OMIM 610042.

Allele frequency attached by ClinVar (database versions not stated): TOPMed 0.00001; ExAC 0.00002; gnomAD 0.00001 and 0.00002; gnomAD exomes 0.00001; 1000 Genomes Project 0.00020; 1000 Genomes Project 30x 0.00031.
gnomAD v4.1: 7 of 1,613,776 alleles (0.00043%); highest among the groups gnomAD compares: African/African-American, 0.0067%; no homozygotes.

Submissions (2):

GeneDx
Classification: Uncertain significance. Last evaluated: 2024-04-30. Review status: criteria provided, single submitter. Criteria: GeneDx Variant Classification Process June 2021. Collection method: clinical testing. Allele origin: germline. Affected: yes.
Comment: Not observed at significant frequency in large population cohorts (gnomAD); In silico analysis indicates that this missense variant does not alter protein structure/function; Has not been previously published as pathogenic or benign to our knowledge

Labcorp Genetics (formerly Invitae), Labcorp
Classification: Uncertain significance for Cortical dysplasia-focal epilepsy syndrome. Last evaluated: 2023-12-07. Review status: criteria provided, single submitter. Criteria: Invitae Variant Classification Sherloc (09022015). Collection method: clinical testing. Allele origin: germline.
Comment: This sequence change replaces glutamic acid, which is acidic and polar, with glutamine, which is neutral and polar, at codon 222 of the CNTNAP2 protein (p.Glu222Gln). This variant is present in population databases (rs532524611, gnomAD 0.01%). This missense change has been observed in individual(s) with clinical features of CNTNAP2-related conditions (Invitae). ClinVar contains an entry for this variant (Variation ID: 536318). An algorithm developed to predict the effect of missense changes on protein structure and function (PolyPhen-2) suggests that this variant is likely to be disruptive. In summary, the available evidence is currently insufficient to determine the role of this variant in disease. Therefore, it has been classified as a Variant of Uncertain Significance.